The following is an entry in ClinVar:

NM_031157.4(HNRNPA1):c.959A>C (p.Asn320Thr)

Gene: HNRNPA1 (heterogeneous nuclear ribonucleoprotein A1; plus strand). Cytogenetic location: 12q13.13.
Variant type: single nucleotide variant.
Coding change: c.959A>C on transcript NM_031157.4 (MANE Select); coding-DNA position 959, A replaced by C.
Protein change: p.Asn320Thr; replaces asparagine 320 with threonine.
Molecular consequence: missense variant. On other transcripts: non-coding transcript variant (1).
Genome position (GRCh38, 1-based): chr12:54,283,863, A>C. VCF-style: chr12-54283863-A-C. GRCh37 (hg19) VCF-style: chr12-54677647-A-C.
Other names: c.803A>C, p.Asn268Thr (NM_002136.4); short protein forms N268T, N320T.
Identifiers: ClinVar variation 4854816 (VCV004854816.1).

ClinVar aggregate classification (germline): Uncertain significance (1 of 4 stars; one submission).

Conditions:
HNRNPA1-related disorder. Also called: HNRNPA1-related condition.

Submission:

3billion
Classification: Uncertain significance for HNRNPA1-related disorder. Last evaluated: 2026-01-27. Review status: criteria provided, single submitter. Criteria: ACMG Guidelines, 2015. Collection method: clinical testing. Allele origin: germline. Affected: yes.
Comment: The variant is not observed in the gnomAD v4.1.0 dataset. Predicted Consequence/Location: Missense variant. Missense changes are a common disease-causing mechanism. A different missense change at the same codon (p.Asn320Ile) has been reported to be associated with HNRNPA1-related disorder (PMID: 35550112). However the evidence of pathogenicity is insufficient at this time. Therefore, this variant is classified as VUS according to the recommendation of ACMG/AMP guideline.

Literature cited by the submitters: PubMed 35550112.